The following is an entry in ClinVar:

ClinVar aggregate classification (germline): Benign. Review status: criteria provided, multiple submitters, no conflicts (2 of 4 stars). 5 submissions from 5 submitters: Benign (4). 1 of the submissions does not count toward it. Last evaluated 2026-02-03.

Conditions:
PKD1L1-related disorder. Also called: PKD1L1-related condition.

Allele frequency attached by ClinVar (database versions not stated): 1000 Genomes Project 0.48482; ExAC 0.48847; 1000 Genomes Project 30x 0.48891; gnomAD exomes 0.49019 and 0.49184; TOPMed 0.49045; ESP Exome Variant Server 0.49223; gnomAD 0.49824 and 0.50199.
gnomAD v4.1: 794,008 of 1,613,796 alleles (49%); highest among the groups gnomAD compares: Admixed American, 52%; 196,952 homozygotes.

Submissions (5):

Labcorp Genetics (formerly Invitae), Labcorp
Classification: Benign. Last evaluated: 2026-02-03. Review status: criteria provided, single submitter. Criteria: Invitae Variant Classification Sherloc (09022015). Collection method: clinical testing. Allele origin: germline.

Blueprint Genetics
Classification: Benign. Last evaluated: 2024-11-27. Review status: criteria provided, single submitter. Criteria: ACMG Guidelines, 2015. Collection method: clinical testing. Allele origin: germline.

GeneDx
Classification: Benign. Last evaluated: 2018-11-12. Review status: criteria provided, single submitter. Criteria: GeneDx Variant Classification Process June 2021. Collection method: clinical testing. Allele origin: germline. Affected: yes.

Breakthrough Genomics
Classification: Benign. Review status: criteria provided, single submitter. Criteria: ACMG Guidelines, 2015. Collection method: not provided. Allele origin: germline. Inheritance: Autosomal recessive inheritance. Affected: yes.

PreventionGenetics, part of Exact Sciences
Classification: Benign for PKD1L1-related condition. Last evaluated: 2021-11-27. Review status: no assertion criteria provided. Collection method: clinical testing. Allele origin: germline. Not counted in ClinVar's aggregate classification.
Comment: This variant is classified as benign based on ACMG/AMP sequence variant interpretation guidelines (Richards et al. 2015 PMID: 25741868, with internal and published modifications).

NM_138295.5(PKD1L1):c.934G>T (p.Val312Phe)

Gene: PKD1L1 (polycystin 1 like 1, transient receptor potential channel interacting; minus strand). Cytogenetic location: 7p12.3.
Variant type: single nucleotide variant.
Coding change: c.934G>T on transcript NM_138295.5 (MANE Select); coding-DNA position 934, G replaced by T.
Protein change: p.Val312Phe; replaces valine 312 with phenylalanine.
Molecular consequence: missense variant.
Genome position (GRCh38, 1-based): chr7:47,929,330, C>A on the plus strand (G>T on the coding strand, the complement: PKD1L1 is on the minus strand). VCF-style: chr7-47929330-C-A. GRCh37 (hg19) VCF-style: chr7-47968927-C-A.
Other names: short protein forms V312F.
Identifiers: ClinVar variation 1237805 (VCV001237805.12), dbSNP rs2686817, ClinGen allele CA4254192.